The following is an entry in ClinVar:

ClinVar aggregate classification (germline): Benign/Likely benign. Review status: criteria provided, multiple submitters, no conflicts (2 of 4 stars). 10 submissions from 10 submitters: Benign (7); Likely benign (2). 1 of the submissions does not count toward it. Last evaluated 2025-04-25.

Conditions:
Polycystic kidney disease, adult type (PKD1). Also called: Polycystic Kidney, Autosomal Dominant; Polycystic Kidney Disease 1, Autosomal Dominant; Polycystic kidney disease 1; Polycystic kidney disease 1, severe; POLYCYSTIC KIDNEY DISEASE 1 WITH OR WITHOUT POLYCYSTIC LIVER DISEASE; POLYCYSTIC KIDNEY DISEASE, ADULT, TYPE I. Identifiers: MedGen C3149841, MONDO:0008263, OMIM 173900.

Allele frequency attached by ClinVar (database versions not stated): gnomAD exomes 0.00066 and 0.00172; ExAC 0.00219; ESP Exome Variant Server 0.00532; gnomAD 0.00659 and 0.00705; 1000 Genomes Project 0.00739; TOPMed 0.00750; 1000 Genomes Project 30x 0.00859.
gnomAD v4.1: 2,014 of 1,611,036 alleles (0.13%); highest among the groups gnomAD compares: African/African-American, 2.3%; 24 homozygotes.

Submissions (10):

Women's Health and Genetics/Laboratory Corporation of America, LabCorp
Classification: Likely benign. Last evaluated: 2025-04-25. Review status: criteria provided, single submitter. Criteria: LabCorp Variant Classification Summary - May 2015. Collection method: clinical testing. Allele origin: germline.

Blueprint Genetics
Classification: Benign. Last evaluated: 2024-10-25. Review status: criteria provided, single submitter. Criteria: ACMG Guidelines, 2015. Collection method: clinical testing. Allele origin: germline.

Fulgent Genetics
Classification: Likely benign for Polycystic kidney disease, adult type. Last evaluated: 2021-11-04. Review status: criteria provided, single submitter. Criteria: ACMG Guidelines, 2015. Collection method: clinical testing. Allele origin: unknown.

Department of Pathology and Laboratory Medicine, Sinai Health System
Classification: Benign for Polycystic kidney disease, adult type. Last evaluated: 2020-07-10. Review status: criteria provided, single submitter. Criteria: ACMG Guidelines, 2015. Collection method: clinical testing. Allele origin: germline. Affected: yes.

GeneDx
Classification: Benign. Last evaluated: 2020-03-03. Review status: criteria provided, single submitter. Criteria: GeneDx Variant Classification Process June 2021. Collection method: clinical testing. Allele origin: germline. Affected: yes.
Comment: This variant is associated with the following publications: (PMID: 25757501)

ARUP Laboratories, Molecular Genetics and Genomics, ARUP Laboratories
Classification: Benign for Polycystic kidney disease, adult type. Last evaluated: 2019-02-21. Review status: criteria provided, single submitter. Criteria: ARUP Molecular Germline Variant Investigation Process. Collection method: clinical testing. Allele origin: germline.

Athena Diagnostics
Classification: Benign. Last evaluated: 2018-09-18. Review status: criteria provided, single submitter. Criteria: Athena Diagnostics Criteria. Collection method: clinical testing. Allele origin: germline.

Breakthrough Genomics
Classification: Benign. Review status: criteria provided, single submitter. Criteria: ACMG Guidelines, 2015. Collection method: not provided. Allele origin: germline. Inheritance: Autosomal dominant inheritance. Affected: yes.

PreventionGenetics, part of Exact Sciences
Classification: Benign. Review status: criteria provided, single submitter. Criteria: ACMG Guidelines, 2015. Collection method: clinical testing. Allele origin: germline.

Genetic Services Laboratory, University of Chicago
Classification: Benign. Last evaluated: 2022-05-10. Review status: no assertion criteria provided. Collection method: clinical testing. Allele origin: germline. Affected: no. Not counted in ClinVar's aggregate classification.

NM_001009944.3(PKD1):c.11523C>T (p.Asn3841=)

Genes: PKD1 (polycystin 1, transient receptor potential channel interacting; minus strand), PKD1-AS1 (PKD1 antisense RNA 1; plus strand). Cytogenetic location: 16p13.3.
Variant type: single nucleotide variant.
Coding change: c.11523C>T on transcript NM_001009944.3 (MANE Select); coding-DNA position 11523, C replaced by T.
Protein change: p.Asn3841=; no amino-acid change (asparagine 3841 retained).
Molecular consequence: synonymous variant.
Genome position (GRCh38, 1-based): chr16:2,091,795, G>A on the plus strand (C>T on the coding strand, the complement: PKD1 is on the minus strand). VCF-style: chr16-2091795-G-A. GRCh37 (hg19) VCF-style: chr16-2141796-G-A.
Other names: c.11520C>T, p.Asn3840= (NM_000296.4).
Identifiers: ClinVar variation 256902 (VCV000256902.21), dbSNP rs113369380, ClinGen allele CA7829092.